The following is an entry in ClinVar:

NM_000487.6(ARSA):c.251C>G (p.Pro84Arg)

Gene: ARSA (arylsulfatase A; minus strand). Cytogenetic location: 22q13.33.
Variant type: single nucleotide variant.
Coding change: c.251C>G on transcript NM_000487.6 (MANE Select); coding-DNA position 251, C replaced by G.
Protein change: p.Pro84Arg; replaces proline 84 with arginine.
Molecular consequence: missense variant. On other transcripts: 5 prime UTR variant (2).
Genome position (GRCh38, 1-based): chr22:50,627,380, G>C on the plus strand (C>G on the coding strand, the complement: ARSA is on the minus strand). VCF-style: chr22-50627380-G-C. GRCh37 (hg19) VCF-style: chr22-51065808-G-C.
Other names: c.251C>G, p.Pro84Arg (NM_001085426.3, NM_001085427.3, NM_001085425.3); c.-8C>G (NM_001085428.3, NM_001362782.2); short protein forms P84R.
Identifiers: ClinVar variation 1995934 (VCV001995934.4), dbSNP rs6151411, ClinGen allele CA412181831.

ClinVar aggregate classification (germline): Likely pathogenic (1 of 4 stars; one submission).

Conditions:
Metachromatic leukodystrophy (MLD). Also called: Arylsulfatase A Deficiency; Cerebral sclerosis diffuse metachromatic form; ARSA DEFICIENCY; CEREBROSIDE SULFATASE DEFICIENCY; METACHROMATIC LEUKOENCEPHALOPATHY; SULFATIDE LIPIDOSIS. Identifiers: Orphanet 512, MedGen C0023522, MONDO:0018868, OMIM 250100.

Submission:

Labcorp Genetics (formerly Invitae), Labcorp
Classification: Likely pathogenic for Metachromatic leukodystrophy. Last evaluated: 2024-02-13. Review status: criteria provided, single submitter. Criteria: Invitae Variant Classification Sherloc (09022015). Collection method: clinical testing. Allele origin: germline.
Comment: This sequence change replaces proline, which is neutral and non-polar, with arginine, which is basic and polar, at codon 84 of the ARSA protein (p.Pro84Arg). This variant is not present in population databases (gnomAD no frequency). This variant has not been reported in the literature in individuals affected with ARSA-related conditions. ClinVar contains an entry for this variant (Variation ID: 1995934). Advanced modeling of protein sequence and biophysical properties (such as structural, functional, and spatial information, amino acid conservation, physicochemical variation, residue mobility, and thermodynamic stability) performed at Invitae indicates that this missense variant is expected to disrupt ARSA protein function with a positive predictive value of 95%. This variant disrupts the p.Pro84 amino acid residue in ARSA. Other variant(s) that disrupt this residue have been determined to be pathogenic (PMID: 18786133, 28762252, 31694723). This suggests that this residue is clinically significant, and that variants that disrupt this residue are likely to be disease-causing. In summary, the currently available evidence indicates that the variant is pathogenic, but additional data are needed to prove that conclusively. Therefore, this variant has been classified as Likely Pathogenic.

Literature cited by the submitters: PubMed 18786133; PubMed 28762252; PubMed 31694723.